The following is an entry in ClinVar:

NM_033380.3(COL4A5):c.4094C>T (p.Pro1365Leu)

Gene: COL4A5 (collagen type IV alpha 5 chain; plus strand). Cytogenetic location: Xq22.3.
Variant type: single nucleotide variant.
Coding change: c.4094C>T on transcript NM_033380.3 (MANE Select); coding-DNA position 4094, C replaced by T.
Protein change: p.Pro1365Leu; replaces proline 1365 with leucine.
Molecular consequence: missense variant.
Genome position (GRCh38, 1-based): chrX:108,681,766, C>T. VCF-style: chrX-108681766-C-T. GRCh37 (hg19) VCF-style: chrX-107924996-C-T.
Other names: c.4076C>T, p.Pro1359Leu (NM_000495.5); short protein forms P1359L, P1365L.
Identifiers: ClinVar variation 2080989 (VCV002080989.1), dbSNP rs2524616351, ClinGen allele CA413851889.

ClinVar aggregate classification (germline): Uncertain significance (1 of 4 stars; one submission).

Submission:

Labcorp Genetics (formerly Invitae), Labcorp
Classification: Uncertain significance. Last evaluated: 2022-01-12. Review status: criteria provided, single submitter. Criteria: Invitae Variant Classification Sherloc (09022015). Collection method: clinical testing. Allele origin: germline.
Comment: This sequence change replaces proline, which is neutral and non-polar, with leucine, which is neutral and non-polar, at codon 1359 of the COL4A5 protein (p.Pro1359Leu). This variant is not present in population databases (gnomAD no frequency). This variant has not been reported in the literature in individuals affected with COL4A5-related conditions. Advanced modeling of protein sequence and biophysical properties (such as structural, functional, and spatial information, amino acid conservation, physicochemical variation, residue mobility, and thermodynamic stability) performed at Invitae indicates that this missense variant is not expected to disrupt COL4A5 protein function. In summary, the available evidence is currently insufficient to determine the role of this variant in disease. Therefore, it has been classified as a Variant of Uncertain Significance.